The following is an entry in ClinVar:

NM_032444.4(SLX4):c.5441G>A (p.Arg1814His)

Gene: SLX4 (SLX4 structure-specific endonuclease subunit; minus strand). Cytogenetic location: 16p13.3.
Variant type: single nucleotide variant.
Coding change: c.5441G>A on transcript NM_032444.4 (MANE Select); coding-DNA position 5441, G replaced by A.
Protein change: p.Arg1814His; replaces arginine 1814 with histidine.
Molecular consequence: missense variant.
Genome position (GRCh38, 1-based): chr16:3,582,406, C>T on the plus strand (G>A on the coding strand, the complement: SLX4 is on the minus strand). VCF-style: chr16-3582406-C-T. GRCh37 (hg19) VCF-style: chr16-3632407-C-T.
Other names: c.5441G>A (LRG_503t1); short protein forms R1814H.
Identifiers: ClinVar variation 456337 (VCV000456337.9), dbSNP rs201036767, ClinGen allele CA7865309.

ClinVar aggregate classification (germline): Uncertain significance. Review status: criteria provided, multiple submitters, no conflicts (2 of 4 stars). 3 submissions from 3 submitters: Uncertain significance (3). Last evaluated 2024-03-08.

Conditions:
Inborn genetic diseases. Identifiers: MedGen C0950123, MeSH D030342.
Fanconi anemia complementation group P. Also called: SLX4-Related Fanconi Anemia. Identifiers: Orphanet 84, MedGen C3469542, MONDO:0013499, OMIM 613951.
Fanconi anemia (FA). Also called: Fanconi's anemia. Identifiers: Orphanet 84, MedGen C0015625, MeSH D005199, MONDO:0019391.

Allele frequency attached by ClinVar (database versions not stated): gnomAD exomes 0.00002; TOPMed 0.00002; ExAC 0.00003; gnomAD 0.00006 and 0.00007; ESP Exome Variant Server 0.00008; 1000 Genomes Project 0.00020; 1000 Genomes Project 30x 0.00062.
gnomAD v4.1: 37 of 1,613,854 alleles (0.0023%); highest among the groups gnomAD compares: Admixed American, 0.012%; no homozygotes.

Submissions (3):

Fulgent Genetics
Classification: Uncertain significance for Fanconi anemia complementation group P. Last evaluated: 2024-03-08. Review status: criteria provided, single submitter. Criteria: ACMG Guidelines, 2015. Collection method: clinical testing. Allele origin: germline.

Labcorp Genetics (formerly Invitae), Labcorp
Classification: Uncertain significance for Fanconi anemia. Last evaluated: 2022-10-17. Review status: criteria provided, single submitter. Criteria: Invitae Variant Classification Sherloc (09022015). Collection method: clinical testing. Allele origin: germline.
Comment: This sequence change replaces arginine, which is basic and polar, with histidine, which is basic and polar, at codon 1814 of the SLX4 protein (p.Arg1814His). This variant is present in population databases (rs201036767, gnomAD 0.009%). This variant has not been reported in the literature in individuals affected with SLX4-related conditions. ClinVar contains an entry for this variant (Variation ID: 456337). Algorithms developed to predict the effect of missense changes on protein structure and function (SIFT, PolyPhen-2, Align-GVGD) all suggest that this variant is likely to be disruptive. In summary, the available evidence is currently insufficient to determine the role of this variant in disease. Therefore, it has been classified as a Variant of Uncertain Significance.

Ambry Genetics
Classification: Uncertain significance for Inborn genetic diseases. Last evaluated: 2021-09-16. Review status: criteria provided, single submitter. Criteria: Ambry Variant Classification Scheme 2023. Collection method: clinical testing. Allele origin: germline.